The following is an entry in ClinVar:

NM_020778.5(ALPK3):c.1756G>A (p.Glu586Lys)

Gene: ALPK3 (alpha kinase 3; plus strand). Cytogenetic location: 15q25.3.
Variant type: single nucleotide variant.
Coding change: c.1756G>A on transcript NM_020778.5 (MANE Select); coding-DNA position 1756, G replaced by A.
Protein change: p.Glu586Lys; replaces glutamic acid 586 with lysine.
Molecular consequence: missense variant.
Genome position (GRCh38, 1-based): chr15:84,856,494, G>A. VCF-style: chr15-84856494-G-A. GRCh37 (hg19) VCF-style: chr15-85399725-G-A.
Other names: c.2362G>A (NM_020778.4); short protein forms E586K.
Identifiers: ClinVar variation 1936553 (VCV001936553.7), dbSNP rs1170905492, ClinGen allele CA393354502.
Genomic context (GRCh38, chr15:84,856,494, plus strand): 5'-AGCAGCAGCTCTGATGTAGCCTCCATTGGGGTTAGCACTTCCGGAAGTCAAGGTATCATT[G>A]AACCCATGGATATGGAAACCCAGGAGGATGGGAGAACATCTGCTAACCAGAGAACTGGAA-3'
Protein context (NP_065829.4, residues 576-596): VSTSGSQGII[Glu586Lys]PMDMETQEDG

ClinVar aggregate classification (germline): Uncertain significance. Review status: criteria provided, multiple submitters, no conflicts (2 of 4 stars). 2 submissions from 2 submitters: Uncertain significance (2). Last evaluated 2023-10-08.

Conditions:
Cardiovascular phenotype. Identifiers: MedGen CN230736.

Allele frequency attached by ClinVar (database versions not stated): TOPMed below 0.00001; gnomAD 0.00001.
gnomAD v4.1: 1 of 1,614,064 alleles (0.000062%); highest among the groups gnomAD compares: African/African-American, 0.0013%; no homozygotes.

Submissions (2):

Labcorp Genetics (formerly Invitae), Labcorp
Classification: Uncertain significance. Last evaluated: 2023-10-08. Review status: criteria provided, single submitter. Criteria: Invitae Variant Classification Sherloc (09022015). Collection method: clinical testing. Allele origin: germline.
Comment: This sequence change replaces glutamic acid, which is acidic and polar, with lysine, which is basic and polar, at codon 788 of the ALPK3 protein (p.Glu788Lys). This variant is not present in population databases (gnomAD no frequency). This variant has not been reported in the literature in individuals affected with ALPK3-related conditions. ClinVar contains an entry for this variant (Variation ID: 1936553). An algorithm developed to predict the effect of missense changes on protein structure and function (PolyPhen-2) suggests that this variant is likely to be tolerated. In summary, the available evidence is currently insufficient to determine the role of this variant in disease. Therefore, it has been classified as a Variant of Uncertain Significance.

Ambry Genetics
Classification: Uncertain significance for Cardiovascular phenotype. Last evaluated: 2023-01-13. Review status: criteria provided, single submitter. Criteria: Ambry Variant Classification Scheme 2023. Collection method: clinical testing. Allele origin: germline.
Comment: The p.E788K variant (also known as c.2362G>A), located in coding exon 6 of the ALPK3 gene, results from a G to A substitution at nucleotide position 2362. The glutamic acid at codon 788 is replaced by lysine, an amino acid with similar properties. This amino acid position is conserved. In addition, this alteration is predicted to be tolerated by in silico analysis. Since supporting evidence is limited at this time, the clinical significance of this alteration remains unclear.